The following is an entry in ClinVar:

NM_003803.4(MYOM1):c.4009+1G>A

Gene: MYOM1 (myomesin 1; minus strand). Cytogenetic location: 18p11.31.
Variant type: single nucleotide variant.
Coding change: c.4009+1G>A on transcript NM_003803.4 (MANE Select); the canonical splice donor site of the intron after coding-DNA position 4009, G replaced by A.
Molecular consequence: splice donor variant.
Genome position (GRCh38, 1-based): chr18:3,090,657, C>T on the plus strand (G>A on the coding strand, the complement: MYOM1 is on the minus strand). VCF-style: chr18-3090657-C-T. GRCh37 (hg19) VCF-style: chr18-3090655-C-T.
Other names: c.3721+1G>A (NM_019856.2).
Identifiers: ClinVar variation 2909501 (VCV002909501.3), dbSNP rs761094442, ClinGen allele CA8874102.

ClinVar aggregate classification (germline): Uncertain significance (1 of 4 stars; one submission).

Conditions:
Hypertrophic cardiomyopathy. Also called: HYPERTROPHIC MYOCARDIOPATHY. Identifiers: Orphanet 217569, MedGen C0007194, MeSH D002312, MONDO:0005045, HP:0001639.

Allele frequency attached by ClinVar (database versions not stated): gnomAD exomes below 0.00001; gnomAD 0.00001; TOPMed 0.00001.
gnomAD v4.1: 3 of 1,613,740 alleles (0.00019%); highest among the groups gnomAD compares: Admixed American, 0.0033%; no homozygotes.

Submission:

Labcorp Genetics (formerly Invitae), Labcorp
Classification: Uncertain significance for Hypertrophic cardiomyopathy. Last evaluated: 2024-02-07. Review status: criteria provided, single submitter. Criteria: Invitae Variant Classification Sherloc (09022015). Collection method: clinical testing. Allele origin: germline.
Comment: This sequence change affects a donor splice site in intron 27 of the MYOM1 gene. It is expected to disrupt RNA splicing. Variants that disrupt the donor or acceptor splice site typically lead to a loss of protein function (PMID: 16199547), however the current clinical and genetic evidence is not sufficient to establish whether loss-of-function variants in MYOM1 cause disease. This variant is present in population databases (rs761094442, gnomAD 0.003%). This variant has not been reported in the literature in individuals affected with MYOM1-related conditions. Algorithms developed to predict the effect of sequence changes on RNA splicing suggest that this variant may disrupt the consensus splice site. In summary, the available evidence is currently insufficient to determine the role of this variant in disease. Therefore, it has been classified as a Variant of Uncertain Significance.

Literature cited by the submitters: PubMed 16199547.